The following is an entry in ClinVar:

NM_002303.6(LEPR):c.1190A>G (p.Asn397Ser)

Gene: LEPR (leptin receptor; plus strand). Cytogenetic location: 1p31.3.
Variant type: single nucleotide variant.
Coding change: c.1190A>G on transcript NM_002303.6 (MANE Select); coding-DNA position 1190, A replaced by G.
Protein change: p.Asn397Ser; replaces asparagine 397 with serine.
Molecular consequence: missense variant.
Genome position (GRCh38, 1-based): chr1:65,601,587, A>G. VCF-style: chr1-65601587-A-G. GRCh37 (hg19) VCF-style: chr1-66067270-A-G.
Other names: c.1190A>G, p.Asn397Ser (NM_001003679.3, NM_001003680.3, NM_001198687.2 and 2 more transcripts); short protein forms N397S.
Identifiers: ClinVar variation 4994818 (VCV004994818.1).

ClinVar aggregate classification (germline): Uncertain significance (1 of 4 stars; one submission).

Conditions:
LEPR-related disorder. Also called: LEPR-related condition; LEPR-related disorders.

gnomAD v4.1: 4 of 1,613,826 alleles (0.00025%); highest among the groups gnomAD compares: Non-Finnish European, 0.00034%; no homozygotes.

Submission:

PreventionGenetics, part of Exact Sciences
Classification: Uncertain significance for LEPR-related condition. Last evaluated: 2026-04-28. Review status: criteria provided, single submitter. Criteria: ACMG Guidelines, 2015. Collection method: clinical testing. Allele origin: germline.
Comment: The LEPR c.1190A>G variant is predicted to result in the amino acid substitution p.Asn397Ser. To our knowledge, this variant has not been reported in the literature or in a large population database (gnomAD), indicating this variant is rare. At this time, the clinical significance of this variant is uncertain due to the absence of conclusive functional and genetic evidence.